The following is an entry in ClinVar:

NM_014160.5(MKRN2):c.959_960del (p.Gln320fs)

Gene: MKRN2 (makorin ring finger protein 2; plus strand). Cytogenetic location: 3p25.2.
Variant type: Deletion.
Coding change: c.959_960del on transcript NM_014160.5 (MANE Select); coding-DNA positions 959 to 960, 2 bases deleted (AG; older notation c.959_960delAG).
Protein change: p.Gln320fs; shifts the reading frame from glutamine 320.
Molecular consequence: frameshift variant.
Genome position (GRCh38, 1-based): chr3:12,576,732-12,576,733, AG deleted. VCF-style (leftmost placement, unchanged base first): chr3-12576731-CAG-C. GRCh37 (hg19) VCF-style: chr3-12618230-CAG-C.
Other names: c.830_831del, p.Gln277fs (NM_001271707.2); short protein forms Q277fs, Q320fs.
Identifiers: ClinVar variation 4279921 (VCV004279921.1).
Genomic context (GRCh38, chr3:12,576,731, plus strand): 5'-CCAAGTGTGTATTGGGTGGAAGATCAGAATAAAAAGAACGAGTTGATTGAAGCTTTCAAA[CAG>C]GGGATGGGGTAAGTGCTTTTGAGTTTCGACGTGCCCCTGCTGCCTGCCTGGCTCTGCTGT-3'

ClinVar aggregate classification (germline): Uncertain significance (1 of 4 stars; one submission).

Submission:

Clinical Genomics Laboratory, Washington University in St. Louis
Classification: Uncertain significance. Last evaluated: 2025-09-03. Review status: criteria provided, single submitter. Criteria: ACMG Guidelines, 2015. Collection method: clinical testing. Allele origin: germline.
Comment: The MKRN2 c.959_960del (p.Gln320Argfs*8) variant, to our knowledge, has not been reported in the medical literature. This variant is only observed in 12/1,598,668 alleles in the general population (gnomAD v.4.1.0), indicating it is not a common variant. This variant causes a frameshift by deleting two nucleotides, leading to a premature termination codon, which is predicted to lead to nonsense mediated decay. Due to limited information, the clinical significance of this variant is uncertain.